The following is an entry in ClinVar:

NM_004304.5(ALK):c.3068-43A>G

Gene: ALK (ALK receptor tyrosine kinase; minus strand). Cytogenetic location: 2p23.2.
Variant type: single nucleotide variant.
Coding change: c.3068-43A>G on transcript NM_004304.5 (MANE Select); 43 bases into the intron before coding-DNA position 3068, A replaced by G.
Molecular consequence: intron variant.
Genome position (GRCh38, 1-based): chr2:29,225,608, T>C on the plus strand (A>G on the coding strand, the complement: ALK is on the minus strand). VCF-style: chr2-29225608-T-C. GRCh37 (hg19) VCF-style: chr2-29448474-T-C.
Identifiers: ClinVar variation 2650796 (VCV002650796.24), dbSNP rs150079428, ClinGen allele CA1594092.

ClinVar aggregate classification (germline): Likely benign (1 of 4 stars; one submission).

Allele frequency attached by ClinVar (database versions not stated): 1000 Genomes Project 30x 0.00187; 1000 Genomes Project 0.00200; TOPMed 0.00393; gnomAD 0.00404; ESP Exome Variant Server 0.00408; ExAC 0.00434; gnomAD exomes 0.00578.
gnomAD v4.1: 8,561 of 1,541,546 alleles (0.56%); highest among the groups gnomAD compares: Non-Finnish European, 0.69%; 39 homozygotes.

Submission:

CeGaT Center for Human Genetics Tuebingen
Classification: Likely benign. Last evaluated: 2024-11-01. Review status: criteria provided, single submitter. Criteria: CeGaT Center For Human Genetics Tuebingen Variant Classification Criteria Version 2. Collection method: clinical testing. Allele origin: germline. Affected: yes. Observed: 16 variant alleles.
Comment: ALK: BS2